The following is an entry in ClinVar:

NM_000264.5(PTCH1):c.709G>A (p.Glu237Lys)

Gene: PTCH1 (patched 1; minus strand). Cytogenetic location: 9q22.32.
Variant type: single nucleotide variant.
Coding change: c.709G>A on transcript NM_000264.5 (MANE Select); coding-DNA position 709, G replaced by A.
Protein change: p.Glu237Lys; replaces glutamic acid 237 with lysine.
Molecular consequence: missense variant. On other transcripts: non-coding transcript variant (1).
Genome position (GRCh38, 1-based): chr9:95,481,986, C>T on the plus strand (G>A on the coding strand, the complement: PTCH1 is on the minus strand). VCF-style: chr9-95481986-C-T. GRCh37 (hg19) VCF-style: chr9-98244268-C-T.
Other names: c.511G>A, p.Glu171Lys (NM_001083602.3, NM_001354919.2); c.706G>A, p.Glu236Lys (NM_001083603.3); c.256G>A, p.Glu86Lys (NM_001083604.3, NM_001083605.3, NM_001083606.3 and 1 more transcripts); c.709G>A, p.Glu237Lys (NM_001354918.2); short protein forms E237K, E86K, E171K, E236K.
Identifiers: ClinVar variation 1496082 (VCV001496082.6), dbSNP rs2118462668, ClinGen allele CA374114868.
Genomic context (GRCh38, chr9:95,481,986, plus strand): 5'-AGAAAGCATGATCACACACTTACAGGAGGTATGCTGTCCCAGACTGTAATTTCGCCCCTT[C>T]CCAGAAGCAGTCCAAAGGTGTAATAATCAAACAAGGGTAAAGATATTCTATTATCTGTCA-3'
Protein context (NP_000255.2, residues 227-247): LIITPLDCFW[Glu237Lys]GAKLQSGTAY

ClinVar aggregate classification (germline): Likely pathogenic (1 of 4 stars; one submission).

Conditions:
Gorlin syndrome. Also called: Nevoid Basal Cell Carcinoma Syndrome; Basal cell nevus syndrome. Identifiers: Orphanet 377, MedGen C0004779, MONDO:0007187.

Submission:

Labcorp Genetics (formerly Invitae), Labcorp
Classification: Likely pathogenic for Gorlin syndrome. Last evaluated: 2023-12-06. Review status: criteria provided, single submitter. Criteria: Invitae Variant Classification Sherloc (09022015). Collection method: clinical testing. Allele origin: germline.
Comment: This sequence change replaces glutamic acid, which is acidic and polar, with lysine, which is basic and polar, at codon 237 of the PTCH1 protein (p.Glu237Lys). This variant is not present in population databases (gnomAD no frequency). This missense change has been observed in individual(s) with nevoid basal cell carcinoma syndrome (PMID: 21514272). It has also been observed to segregate with disease in related individuals. This variant is also known as c.897G>A. ClinVar contains an entry for this variant (Variation ID: 1496082). Advanced modeling of protein sequence and biophysical properties (such as structural, functional, and spatial information, amino acid conservation, physicochemical variation, residue mobility, and thermodynamic stability) performed at Invitae indicates that this missense variant is not expected to disrupt PTCH1 protein function with a negative predictive value of 95%. In summary, the currently available evidence indicates that the variant is pathogenic, but additional data are needed to prove that conclusively. Therefore, this variant has been classified as Likely Pathogenic.

Literature cited by the submitters: PubMed 21514272.